The following is an entry in ClinVar:

NM_004304.5(ALK):c.2778_2798del (p.Cys928_Gly934del)

Gene: ALK (ALK receptor tyrosine kinase; minus strand). Cytogenetic location: 2p23.2.
Variant type: Deletion.
Coding change: c.2778_2798del on transcript NM_004304.5 (MANE Select); coding-DNA positions 2778 to 2798, 21 bases deleted (GGGGTGCTCCTCAGGTGGAGG).
Protein change: p.Cys928_Gly934del.
Molecular consequence: inframe deletion.
Genome position (GRCh38, 1-based): chr2:29,228,901-29,228,921, CCTCCACCTGAGGAGCACCCC deleted on the plus strand (GGGGTGCTCCTCAGGTGGAGG on the coding strand, the reverse complement: ALK is on the minus strand); deleting any 21 consecutive bases within chr2:29,228,901-29,228,929 gives the same sequence; the c. name uses the placement nearest the transcript's 3' end. VCF-style (leftmost placement, unchanged base first): chr2-29228900-TCCTCCACCTGAGGAGCACCCC-T. GRCh37 (hg19) VCF-style: chr2-29451766-TCCTCCACCTGAGGAGCACCCC-T.
Other names: c.2778_2798del21 (NM_004304.4).
Identifiers: ClinVar variation 949821 (VCV000949821.10), dbSNP rs1664095568, ClinGen allele CA1139656836.

ClinVar aggregate classification (germline): Uncertain significance. Review status: criteria provided, multiple submitters, no conflicts (2 of 4 stars). 2 submissions from 2 submitters: Uncertain significance (2). Last evaluated 2025-04-10.

Conditions:
Neuroblastoma, susceptibility to, 3. Also called: ALK-Related Neuroblastic Tumor Susceptibility. Identifiers: Orphanet 635, MedGen C2751681, MONDO:0013083, OMIM 613014.
Hereditary cancer-predisposing syndrome. Also called: Hereditary neoplastic syndrome; Tumor predisposition; Neoplastic Syndromes, Hereditary; Hereditary Cancer Syndrome. Identifiers: Orphanet 140162, MedGen C0027672, MeSH D009386, MONDO:0015356.

Submissions (2):

Ambry Genetics
Classification: Uncertain significance for Hereditary cancer-predisposing syndrome. Last evaluated: 2025-04-10. Review status: criteria provided, single submitter. Criteria: Ambry Variant Classification Scheme 2023. Collection method: clinical testing. Allele origin: germline.
Comment: The c.2778_2798del21 variant (also known as p.C928_G934del) is located in coding exon 16 of the ALK gene. This variant results from an in-frame GGGGTGCTCCTCAGGTGGAGG deletion at nucleotide positions 2778 to 2798. This results in the in-frame deletion of 7 amino acid residues at codons 928-934. In addition, this alteration is predicted to be deleterious by in silico analysis (Choi Y et al. PLoS ONE. 2012; 7(10):e46688). Based on the available evidence, the clinical significance of this variant remains unclear.

Labcorp Genetics (formerly Invitae), Labcorp
Classification: Uncertain significance for Neuroblastoma, susceptibility to, 3. Last evaluated: 2025-04-07. Review status: criteria provided, single submitter. Criteria: Invitae Variant Classification Sherloc (09022015). Collection method: clinical testing. Allele origin: germline.
Comment: This variant, c.2778_2798del, results in the deletion of 7 amino acid(s) of the ALK protein (p.Cys928_Gly934del), but otherwise preserves the integrity of the reading frame. This variant is not present in population databases (gnomAD no frequency). This variant has not been reported in the literature in individuals affected with ALK-related conditions. ClinVar contains an entry for this variant (Variation ID: 949821). Experimental studies and prediction algorithms are not available or were not evaluated, and the functional significance of this variant is currently unknown. In summary, the available evidence is currently insufficient to determine the role of this variant in disease. Therefore, it has been classified as a Variant of Uncertain Significance.